The following is an entry in ClinVar:

NM_024753.5(TTC21B):c.2365A>G (p.Asn789Asp)

Gene: TTC21B (tetratricopeptide repeat domain 21B; minus strand). Cytogenetic location: 2q24.3.
Variant type: single nucleotide variant.
Coding change: c.2365A>G on transcript NM_024753.5 (MANE Select); coding-DNA position 2365, A replaced by G.
Protein change: p.Asn789Asp; replaces asparagine 789 with aspartic acid.
Molecular consequence: missense variant.
Genome position (GRCh38, 1-based): chr2:165,911,423, T>C on the plus strand (A>G on the coding strand, the complement: TTC21B is on the minus strand). VCF-style: chr2-165911423-T-C. GRCh37 (hg19) VCF-style: chr2-166767933-T-C.
Other names: short protein forms N789D.
Identifiers: ClinVar variation 1467786 (VCV001467786.3), dbSNP rs774676050, ClinGen allele CA1941847.
Genomic context (GRCh38, chr2:165,911,423, plus strand): 5'-CTGCTTTGTCATACCATTTCAATTTTAATAAGAGCTCAGCCAGGTCATAGCAAAGATAAT[T>C]CTTTTGTCCAGTTTTCAGAGCAGCTTCATAGTAAGTGATTGCCTAAACAAAATTCATTCC-3'
Protein context (NP_079029.3, residues 779-799): YEAALKTGQK[Asn789Asp]YLCYDLAELL

ClinVar aggregate classification (germline): Uncertain significance (1 of 4 stars; one submission).

Conditions:
Jeune thoracic dystrophy. Also called: Jeune syndrome; Infantile thoracic dystrophy; Thoracic pelvic phalangeal dystrophy; Jeune's syndrome; Chondroectodermal dysplasia-like syndrome; Short-rib thoracic dysplasia. Identifiers: Orphanet 474, MedGen C0265275, MONDO:0018770.
Nephronophthisis. Also called: Juvenile Nephronophthisis. Identifiers: Orphanet 655, MedGen C0687120, MONDO:0019005, HP:0000090.

Allele frequency attached by ClinVar (database versions not stated): gnomAD exomes 0.00001 and 0.00002; ExAC 0.00002.
gnomAD v4.1: 5 of 1,613,848 alleles (0.00031%); highest among the groups gnomAD compares: Admixed American, 0.0083%; no homozygotes.

Submission:

Labcorp Genetics (formerly Invitae), Labcorp
Classification: Uncertain significance for Jeune thoracic dystrophy; Nephronophthisis. Last evaluated: 2022-08-22. Review status: criteria provided, single submitter. Criteria: Invitae Variant Classification Sherloc (09022015). Collection method: clinical testing. Allele origin: germline.
Comment: This sequence change replaces asparagine, which is neutral and polar, with aspartic acid, which is acidic and polar, at codon 789 of the TTC21B protein (p.Asn789Asp). This variant is present in population databases (rs774676050, gnomAD 0.009%). This variant has not been reported in the literature in individuals affected with TTC21B-related conditions. ClinVar contains an entry for this variant (Variation ID: 1467786). Algorithms developed to predict the effect of missense changes on protein structure and function are either unavailable or do not agree on the potential impact of this missense change (SIFT: "Tolerated"; PolyPhen-2: "Possibly Damaging"; Align-GVGD: "Class C0"). In summary, the available evidence is currently insufficient to determine the role of this variant in disease. Therefore, it has been classified as a Variant of Uncertain Significance.